The following is an entry in ClinVar:

ClinVar aggregate classification (germline): Uncertain significance (1 of 4 stars; one submission).

Allele frequency attached by ClinVar (database versions not stated): TOPMed below 0.00001; ExAC 0.00001; gnomAD 0.00001; gnomAD exomes 0.00001.

Submission:

Labcorp Genetics (formerly Invitae), Labcorp
Classification: Uncertain significance. Last evaluated: 2019-11-27. Review status: criteria provided, single submitter. Criteria: Invitae Variant Classification Sherloc (09022015). Collection method: clinical testing. Allele origin: germline.
Comment: This sequence change replaces proline with serine at codon 295 of the P3H2 protein (p.Pro295Ser). The proline residue is highly conserved and there is a moderate physicochemical difference between proline and serine. In summary, the available evidence is currently insufficient to determine the role of this variant in disease. Therefore, it has been classified as a Variant of Uncertain Significance. Algorithms developed to predict the effect of missense changes on protein structure and function (SIFT, PolyPhen-2, Align-GVGD) all suggest that this variant is likely to be tolerated, but these predictions have not been confirmed by published functional studies and their clinical significance is uncertain. This variant has not been reported in the literature in individuals with P3H2-related conditions. This variant is present in population databases (rs759112193, ExAC 0.01%).

NM_018192.4(P3H2):c.883C>T (p.Pro295Ser)

Gene: P3H2 (prolyl 3-hydroxylase 2; minus strand). Cytogenetic location: 3q28.
Variant type: single nucleotide variant.
Coding change: c.883C>T on transcript NM_018192.4 (MANE Select); coding-DNA position 883, C replaced by T.
Protein change: p.Pro295Ser; replaces proline 295 with serine.
Molecular consequence: missense variant.
Genome position (GRCh38, 1-based): chr3:189,988,979, G>A on the plus strand (C>T on the coding strand, the complement: P3H2 is on the minus strand). VCF-style: chr3-189988979-G-A. GRCh37 (hg19) VCF-style: chr3-189706768-G-A.
Other names: c.340C>T, p.Pro114Ser (NM_001134418.2); short protein forms P114S, P295S.
Identifiers: ClinVar variation 837859 (VCV000837859.6), dbSNP rs759112193, ClinGen allele CA2753187.
Genomic context (GRCh38, chr3:189,988,979, plus strand): 5'-CAAACTGTAGGTAATCATAGTGCAGAGGAAGAAAATTCTCGATGGGAGAGAGGCGGCCAG[G>A]GCGGGTGGCAAGTTCCCTCACACATTCATGCTGACAAACAAGCACCTGCATGTAGTGATC-3'
Protein context (NP_060662.2, residues 285-305): HECVRELATR[Pro295Ser]GRLSPIENFL